The following is an entry in ClinVar:

ClinVar aggregate classification (germline): Uncertain significance. Review status: criteria provided, multiple submitters, no conflicts (2 of 4 stars). 2 submissions from 2 submitters: Uncertain significance (2). Last evaluated 2026-06-17.

Conditions:
Inborn genetic diseases. Identifiers: MedGen C0950123, MeSH D030342.

Allele frequency attached by ClinVar (database versions not stated): gnomAD 0.00001; gnomAD exomes below 0.00001.
gnomAD v4.1: 3 of 1,613,984 alleles (0.00019%); highest among the groups gnomAD compares: African/African-American, 0.0027%; no homozygotes.

Submissions (2):

Ambry Genetics
Classification: Uncertain significance for Inborn genetic diseases. Last evaluated: 2026-06-17. Review status: criteria provided, single submitter. Criteria: Ambry Variant Classification Scheme 2023. Collection method: clinical testing. Allele origin: germline.

Labcorp Genetics (formerly Invitae), Labcorp
Classification: Uncertain significance. Last evaluated: 2022-06-05. Review status: criteria provided, single submitter. Criteria: Invitae Variant Classification Sherloc (09022015). Collection method: clinical testing. Allele origin: germline.
Comment: This sequence change replaces proline, which is neutral and non-polar, with alanine, which is neutral and non-polar, at codon 145 of the TPP1 protein (p.Pro145Ala). This variant is present in population databases (no rsID available, gnomAD 0.007%). This variant has not been reported in the literature in individuals affected with TPP1-related conditions. ClinVar contains an entry for this variant (Variation ID: 1507047). Advanced modeling of protein sequence and biophysical properties (such as structural, functional, and spatial information, amino acid conservation, physicochemical variation, residue mobility, and thermodynamic stability) performed at Invitae indicates that this missense variant is not expected to disrupt TPP1 protein function. In summary, the available evidence is currently insufficient to determine the role of this variant in disease. Therefore, it has been classified as a Variant of Uncertain Significance.

NM_000391.4(TPP1):c.433C>G (p.Pro145Ala)

Gene: TPP1 (tripeptidyl peptidase 1; minus strand). Cytogenetic location: 11p15.4.
Variant type: single nucleotide variant.
Coding change: c.433C>G on transcript NM_000391.4 (MANE Select); coding-DNA position 433, C replaced by G.
Protein change: p.Pro145Ala; replaces proline 145 with alanine.
Molecular consequence: missense variant.
Genome position (GRCh38, 1-based): chr11:6,617,376, G>C on the plus strand (C>G on the coding strand, the complement: TPP1 is on the minus strand). VCF-style: chr11-6617376-G-C. GRCh37 (hg19) VCF-style: chr11-6638607-G-C.
Other names: c.433C>G (NM_000391.3); short protein forms P145A.
Identifiers: ClinVar variation 1507047 (VCV001507047.4), dbSNP rs1273909575, ClinGen allele CA379475916.
Genomic context (GRCh38, chr11:6,617,376, plus strand): 5'-GGGCCAAGGCCTGTGGAAGCTGGTAGGGATGTGGGGACCTTACAACATGGGTTTCCGTAG[G>C]TCCTCCCACATAGTGATGAAACTCAGCCCCAGGGAGCAGCAGCTCTGCTTGTCTGGAGGT-3'
Protein context (NP_000382.3, residues 135-155): GAEFHHYVGG[Pro145Ala]TETHVVRSPH